The following is an entry in ClinVar:

NM_015295.3(SMCHD1):c.3646A>C (p.Ser1216Arg)

Gene: SMCHD1 (structural maintenance of chromosomes flexible hinge domain containing 1; plus strand). Cytogenetic location: 18p11.32.
Variant type: single nucleotide variant.
Coding change: c.3646A>C on transcript NM_015295.3 (MANE Select); coding-DNA position 3646, A replaced by C.
Protein change: p.Ser1216Arg; replaces serine 1216 with arginine.
Molecular consequence: missense variant.
Genome position (GRCh38, 1-based): chr18:2,743,773, A>C. VCF-style: chr18-2743773-A-C. GRCh37 (hg19) VCF-style: chr18-2743771-A-C.
Other names: short protein forms S1216R.
Identifiers: ClinVar variation 4707245 (VCV004707245.1).

ClinVar aggregate classification (germline): Uncertain significance (1 of 4 stars; one submission).

Conditions:
Facioscapulohumeral muscular dystrophy 2 (FSHD2). Also called: FACIOSCAPULOHUMERAL MUSCULAR DYSTROPHY 2, DIGENIC; FSHD2, DIGENIC; MUSCULAR DYSTROPHY, FACIOSCAPULOHUMERAL, TYPE 1B. Identifiers: Orphanet 269, MedGen C1834671, MONDO:0008031, OMIM 158901.

gnomAD v4.1: 3 of 1,608,550 alleles (0.00019%); highest among the groups gnomAD compares: Non-Finnish European, 0.00017%; no homozygotes.

Submission:

Labcorp Genetics (formerly Invitae), Labcorp
Classification: Uncertain significance for Facioscapulohumeral muscular dystrophy 2. Last evaluated: 2025-11-27. Review status: criteria provided, single submitter. Criteria: Invitae Variant Classification Sherloc (09022015). Collection method: clinical testing. Allele origin: germline.
Comment: This sequence change replaces serine, which is neutral and polar, with arginine, which is basic and polar, at codon 1216 of the SMCHD1 protein (p.Ser1216Arg). This variant is present in population databases (no rsID available, gnomAD 0.03%). This variant has not been reported in the literature in individuals affected with SMCHD1-related conditions. Invitae Evidence Modeling of protein sequence and biophysical properties (such as structural, functional, and spatial information, amino acid conservation, physicochemical variation, residue mobility, and thermodynamic stability) indicates that this missense variant is not expected to disrupt SMCHD1 protein function with a negative predictive value of 80%. In summary, the available evidence is currently insufficient to determine the role of this variant in disease. Therefore, it has been classified as a Variant of Uncertain Significance.